The following is an entry in ClinVar:

NM_000092.5(COL4A4):c.282_283del (p.Asp96fs)

Gene: COL4A4 (collagen type IV alpha 4 chain; minus strand). Cytogenetic location: 2q36.3.
Variant type: Microsatellite.
Coding change: c.282_283del on transcript NM_000092.5 (MANE Select); coding-DNA positions 282 to 283, 2 bases deleted (AG; older notation c.282_283delAG).
Protein change: p.Asp96fs; shifts the reading frame from aspartic acid 96.
Molecular consequence: frameshift variant.
Genome position (GRCh38, 1-based): chr2:227,121,058-227,121,059, CT deleted on the plus strand (AG on the coding strand, the reverse complement: COL4A4 is on the minus strand); deleting any 2 consecutive bases within chr2:227,121,058-227,121,062 gives the same sequence; the c. name uses the placement nearest the transcript's 3' end. VCF-style (leftmost placement, unchanged base first): chr2-227121057-CCT-C. GRCh37 (hg19) VCF-style: chr2-227985773-CCT-C.
Other names: c.282_283delAG (NM_000092.4); short protein forms D96fs.
Identifiers: ClinVar variation 562299 (VCV000562299.7), dbSNP rs1559677146, ClinGen allele CA658822708.

ClinVar aggregate classification (germline): Pathogenic. Review status: criteria provided, single submitter (1 of 4 stars). 3 submissions from 3 submitters: Pathogenic (1). 2 of the submissions do not count toward it. Last evaluated 2021-01-02.

Conditions:
COL4A4-related disorder.

Submissions (3):

Labcorp Genetics (formerly Invitae), Labcorp
Classification: Pathogenic. Last evaluated: 2021-01-02. Review status: criteria provided, single submitter. Criteria: Invitae Variant Classification Sherloc (09022015). Collection method: clinical testing. Allele origin: germline.
Comment: For these reasons, this variant has been classified as Pathogenic. This variant has not been reported in the literature in individuals with COL4A4-related conditions. This variant is not present in population databases (ExAC no frequency). This sequence change creates a premature translational stop signal (p.Asp96Profs*13) in the COL4A4 gene. It is expected to result in an absent or disrupted protein product. Loss-of-function variants in COL4A4 are known to be pathogenic (PMID: 21196518, 24854265, 25307543).

PreventionGenetics, part of Exact Sciences
Classification: Pathogenic for COL4A4-related condition. Last evaluated: 2024-04-10. Review status: no assertion criteria provided. Collection method: clinical testing. Allele origin: germline. Not counted in ClinVar's aggregate classification.
Comment: The COL4A4 c.282_283delAG variant is predicted to result in a frameshift and premature protein termination (p.Asp96Profs*13). This variant has been reported in the heterozygous state in an individual with a clinical diagnosis of hypertensive nephropathy (reported as p.D96Pfs*13 in TableS7 of Groopman et al. 2019. PubMed ID: 30586318). This variant has not been reported in a large population database, indicating this variant is rare. Frameshift variants in COL4A4 are expected to be pathogenic. This variant is interpreted as pathogenic for both autosomal dominant and autosomal recessive COL4A4-related nephropathies.

Gharavi Laboratory, Columbia University
Classification: Likely pathogenic. Last evaluated: 2018-09-16. Review status: no assertion criteria provided. Criteria: ACMG Guidelines, 2015. Collection method: research. Allele origin: germline. Affected: yes. Not counted in ClinVar's aggregate classification.

Literature cited by the submitters: PubMed 21196518 (cited by Labcorp Genetics (formerly Invitae), Labcorp); PubMed 24854265 (cited by Labcorp Genetics (formerly Invitae), Labcorp); PubMed 25307543 (cited by Labcorp Genetics (formerly Invitae), Labcorp).